The following is an entry in ClinVar:

ClinVar aggregate classification (germline): Benign/Likely benign. Review status: criteria provided, multiple submitters, no conflicts (2 of 4 stars). 10 submissions from 10 submitters: Benign (1); Likely benign (6). 3 of the submissions do not count toward it. Last evaluated 2026-03-01.

Conditions:
MED13L-related disorder. Also called: MED13L-related condition.
Inborn genetic diseases. Identifiers: MedGen C0950123, MeSH D030342.
Dextro-looped transposition of the great arteries. Also called: Dextrotransposition of the great arteries. Identifiers: Orphanet 860, MedGen C3531771, MONDO:0019443, OMIM 608808, HP:0031348.

Allele frequency attached by ClinVar (database versions not stated): ExAC 0.00019; gnomAD 0.00041; TOPMed 0.00057; ESP Exome Variant Server 0.00062.
gnomAD v4.1: 220 of 1,614,006 alleles (0.014%); highest among the groups gnomAD compares: Middle Eastern, 0.23%; 1 homozygote.

Submissions (10):

CeGaT Center for Human Genetics Tuebingen
Classification: Likely benign. Last evaluated: 2026-03-01. Review status: criteria provided, single submitter. Criteria: CeGaT Center For Human Genetics Tuebingen Variant Classification Criteria Version 2. Collection method: clinical testing. Allele origin: germline. Affected: yes. Observed: 2 variant alleles.
Comment: MED13L: BP4, BS1

Labcorp Genetics (formerly Invitae), Labcorp
Classification: Likely benign for Dextro-looped transposition of the great arteries. Last evaluated: 2025-11-26. Review status: criteria provided, single submitter. Criteria: Invitae Variant Classification Sherloc (09022015). Collection method: clinical testing. Allele origin: germline.

Genomic Medicine Center of Excellence, King Faisal Specialist Hospital and Research Centre
Classification: Likely benign. Last evaluated: 2025-08-18. Review status: criteria provided, single submitter. Criteria: ACMG Guidelines, 2015. Collection method: clinical testing. Allele origin: germline.

Blueprint Genetics
Classification: Likely benign. Last evaluated: 2024-11-19. Review status: criteria provided, single submitter. Criteria: ACMG Guidelines, 2015. Collection method: clinical testing. Allele origin: germline.

Ambry Genetics
Classification: Likely benign for Inborn genetic diseases. Last evaluated: 2024-03-19. Review status: criteria provided, single submitter. Criteria: Ambry Variant Classification Scheme 2023. Collection method: clinical testing. Allele origin: germline.

GeneDx
Classification: Benign. Last evaluated: 2020-03-11. Review status: criteria provided, single submitter. Criteria: GeneDx Variant Classification Process June 2021. Collection method: clinical testing. Allele origin: germline. Affected: yes.

Breakthrough Genomics
Classification: Likely benign. Review status: criteria provided, single submitter. Criteria: ACMG Guidelines, 2015. Collection method: not provided. Allele origin: germline. Inheritance: Autosomal dominant inheritance. Affected: yes.

PreventionGenetics, part of Exact Sciences
Classification: Likely benign for MED13L-related condition. Last evaluated: 2022-09-07. Review status: no assertion criteria provided. Collection method: clinical testing. Allele origin: germline. Not counted in ClinVar's aggregate classification.
Comment: This variant is classified as likely benign based on ACMG/AMP sequence variant interpretation guidelines (Richards et al. 2015 PMID: 25741868, with internal and published modifications).

Clinical Genetics DNA and cytogenetics Diagnostics Lab, Erasmus MC, Erasmus Medical Center
Classification: Likely benign. Review status: no assertion criteria provided. Collection method: clinical testing. Allele origin: germline. Affected: yes. Study: VKGL Data-share Consensus. Not counted in ClinVar's aggregate classification.

Joint Genome Diagnostic Labs from Nijmegen and Maastricht, Radboudumc and MUMC+
Classification: Likely benign. Review status: no assertion criteria provided. Collection method: clinical testing. Allele origin: germline. Affected: yes. Study: VKGL Data-share Consensus. Not counted in ClinVar's aggregate classification.

NM_015335.5(MED13L):c.4459C>A (p.Pro1487Thr)

Gene: MED13L (mediator complex subunit 13L; minus strand). Cytogenetic location: 12q24.21.
Variant type: single nucleotide variant.
Coding change: c.4459C>A on transcript NM_015335.5 (MANE Select); coding-DNA position 4459, C replaced by A.
Protein change: p.Pro1487Thr; replaces proline 1487 with threonine.
Molecular consequence: missense variant.
Genome position (GRCh38, 1-based): chr12:115,984,252, G>T on the plus strand (C>A on the coding strand, the complement: MED13L is on the minus strand). VCF-style: chr12-115984252-G-T. GRCh37 (hg19) VCF-style: chr12-116422057-G-T.
Other names: short protein forms P1487T.
Identifiers: ClinVar variation 533126 (VCV000533126.44), dbSNP rs146112707, ClinGen allele CA6810795.